The following is an entry in ClinVar:

ClinVar aggregate classification (germline): Conflicting classifications of pathogenicity. Review status: criteria provided, conflicting classifications (1 of 4 stars). 2 submissions from 2 submitters: Uncertain significance (1); Likely benign (1). Last evaluated 2025-03-04.

Conditions:
Hereditary cancer-predisposing syndrome. Also called: Neoplastic Syndromes, Hereditary; Tumor predisposition; Hereditary Cancer Syndrome; Hereditary neoplastic syndrome. Identifiers: Orphanet 140162, MedGen C0027672, MeSH D009386, MONDO:0015356.

Allele frequency attached by ClinVar (database versions not stated): gnomAD exomes below 0.00001 and 0.00002.
gnomAD v4.1: 32 of 1,608,540 alleles (0.002%); highest among the groups gnomAD compares: Non-Finnish European, 0.0026%; no homozygotes.

Submissions (2):

Center for Genomic Medicine, Rigshospitalet, Copenhagen University Hospital
Classification: Likely benign. Last evaluated: 2025-03-04. Review status: criteria provided, single submitter. Criteria: ACMG Guidelines, 2015. Collection method: clinical testing. Allele origin: germline.

Color Diagnostics, LLC DBA Color Health
Classification: Uncertain significance for Hereditary cancer-predisposing syndrome. Last evaluated: 2023-07-24. Review status: criteria provided, single submitter. Criteria: ACMG Guidelines, 2015. Collection method: clinical testing. Allele origin: germline.
Comment: This variant is located in the 3' untranslated region of the CDH1 gene. To our knowledge, functional studies have not been reported for this variant. This variant has not been reported in individuals affected with CDH1-related disorders in the literature. This variant has been identified in 1/250900 chromosomes in the general population by the Genome Aggregation Database (gnomAD). The available evidence is insufficient to determine the role of this variant in disease conclusively. Therefore, this variant is classified as a Variant of Uncertain Significance.

NM_004360.5(CDH1):c.*14G>C

Gene: CDH1 (cadherin 1; plus strand). Cytogenetic location: 16q22.1.
Variant type: single nucleotide variant.
Coding change: c.*14G>C on transcript NM_004360.5 (MANE Select); 14 bases downstream of the stop codon, G replaced by C.
Molecular consequence: 3 prime UTR variant.
Genome position (GRCh38, 1-based): chr16:68,833,513, G>C. VCF-style: chr16-68833513-G-C. GRCh37 (hg19) VCF-style: chr16-68867416-G-C.
Other names: c.*14G>C (NM_001317184.2, NM_001317185.2, NM_001317186.2).
Identifiers: ClinVar variation 926463 (VCV000926463.6), dbSNP rs1031814673, ClinGen allele CA283319811.